The following is an entry in ClinVar:

ClinVar aggregate classification (germline): Uncertain significance (1 of 4 stars; one submission).

Allele frequency attached by ClinVar (database versions not stated): gnomAD exomes below 0.00001.
gnomAD v4.1: 3 of 1,614,084 alleles (0.00019%); highest among the groups gnomAD compares: Non-Finnish European, 0.00025%; no homozygotes.

Submission:

Labcorp Genetics (formerly Invitae), Labcorp
Classification: Uncertain significance. Last evaluated: 2023-07-10. Review status: criteria provided, single submitter. Criteria: Invitae Variant Classification Sherloc (09022015). Collection method: clinical testing. Allele origin: germline.
Comment: In summary, the available evidence is currently insufficient to determine the role of this variant in disease. Therefore, it has been classified as a Variant of Uncertain Significance. Algorithms developed to predict the effect of sequence changes on RNA splicing suggest that this variant may create or strengthen a splice site. ClinVar contains an entry for this variant (Variation ID: 1419857). This variant has not been reported in the literature in individuals affected with TNFRSF11A-related conditions. This variant is present in population databases (no rsID available, gnomAD 0.0009%). This sequence change affects codon 223 of the TNFRSF11A mRNA. It is a 'silent' change, meaning that it does not change the encoded amino acid sequence of the TNFRSF11A protein.

NM_003839.4(TNFRSF11A):c.669G>A (p.Val223=)

Gene: TNFRSF11A (TNF receptor superfamily member 11a; plus strand). Cytogenetic location: 18q21.33.
Variant type: single nucleotide variant.
Coding change: c.669G>A on transcript NM_003839.4 (MANE Select); coding-DNA position 669, G replaced by A.
Protein change: p.Val223=; no amino-acid change (valine 223 retained).
Molecular consequence: synonymous variant. On other transcripts: intron variant (1).
Genome position (GRCh38, 1-based): chr18:62,361,732, G>A. VCF-style: chr18-62361732-G-A. GRCh37 (hg19) VCF-style: chr18-60028965-G-A.
Other names: c.669G>A, p.Val223= (NM_001270949.2, NM_001270950.2); c.627G>A, p.Val209= (NM_001278268.2); c.616+1683G>A (NM_001270951.2).
Identifiers: ClinVar variation 1419857 (VCV001419857.8), dbSNP rs1168560068, ClinGen allele CA504079651.